The following is an entry in ClinVar:

NM_001287491.2(TET3):c.4780G>A (p.Gly1594Arg)

Gene: TET3 (tet methylcytosine dioxygenase 3; plus strand). Cytogenetic location: 2p13.1.
Variant type: single nucleotide variant.
Coding change: c.4780G>A on transcript NM_001287491.2 (MANE Select); coding-DNA position 4780, G replaced by A.
Protein change: p.Gly1594Arg; replaces glycine 1594 with arginine.
Molecular consequence: missense variant.
Genome position (GRCh38, 1-based): chr2:74,101,568, G>A. VCF-style: chr2-74101568-G-A. GRCh37 (hg19) VCF-style: chr2-74328695-G-A.
Other names: c.4501G>A, p.Gly1501Arg (NM_001366022.1); short protein forms G1501R, G1594R.
Identifiers: ClinVar variation 3364283 (VCV003364283.1).
Genomic context (GRCh38, chr2:74,101,568, plus strand): 5'-CAGCTGGACAGGGCCTGGCAGTCCTTTGGTCTGCCCCTGGGATCCAGCGAGAAGCTGTTT[G>A]GGGCTCTGAAGTCAGAGGAGAAGCTGTGGGACCCCTTCAGCCTGGAGGAGGGGCCGGCTG-3'
Protein context (NP_001274420.1, residues 1584-1604): LPLGSSEKLF[Gly1594Arg]ALKSEEKLWD

ClinVar aggregate classification (germline): Uncertain significance (1 of 4 stars; one submission).

Submission:

GeneDx
Classification: Uncertain significance. Last evaluated: 2023-11-12. Review status: criteria provided, single submitter. Criteria: GeneDx Variant Classification Process June 2021. Collection method: clinical testing. Allele origin: germline. Affected: yes.
Comment: Not observed at significant frequency in large population cohorts (gnomAD); In silico analysis supports that this missense variant has a deleterious effect on protein structure/function; Has not been previously published as pathogenic or benign to our knowledge